The following is an entry in ClinVar:

NM_004006.3(DMD):c.2993A>G (p.Tyr998Cys)

Gene: DMD (dystrophin; minus strand). Cytogenetic location: Xp21.1.
Variant type: single nucleotide variant.
Coding change: c.2993A>G on transcript NM_004006.3 (MANE Select); coding-DNA position 2993, A replaced by G.
Protein change: p.Tyr998Cys; replaces tyrosine 998 with cysteine.
Molecular consequence: missense variant.
Genome position (GRCh38, 1-based): chrX:32,468,667, T>C on the plus strand (A>G on the coding strand, the complement: DMD is on the minus strand). VCF-style: chrX-32468667-T-C. GRCh37 (hg19) VCF-style: chrX-32486784-T-C.
Other names: c.2969A>G, p.Tyr990Cys (NM_000109.4); c.2981A>G, p.Tyr994Cys (NM_004009.3); c.2624A>G, p.Tyr875Cys (NM_004010.3); short protein forms Y875C, Y994C, Y990C, Y998C.
Identifiers: ClinVar variation 3684186 (VCV003684186.2).
Genomic context (GRCh38, chrX:32,468,667, plus strand): 5'-TATTTCCGGCTAATTTCAGAGGGCGCTTTCTTCGACATCTCTTTCACAGTGGTGCTGAGA[T>C]AGTATAGGCCACTTTGTTGCTCTTGCAGAGAACTTTGTAAAGCCTAAAAAACAATTTTTT-3'
Protein context (NP_003997.2, residues 988-1008): SLQEQQSGLY[Tyr998Cys]LSTTVKEMSK

ClinVar aggregate classification (germline): Uncertain significance (1 of 4 stars; one submission).

Conditions:
Duchenne muscular dystrophy (DMD). Also called: MUSCULAR DYSTROPHY, PSEUDOHYPERTROPHIC PROGRESSIVE, DUCHENNE TYPE; Duchenne Muscular Dystrophy (DMD). Identifiers: Orphanet 98896, MedGen C0013264, MONDO:0010679, OMIM 310200.

Submission:

Labcorp Genetics (formerly Invitae), Labcorp
Classification: Uncertain significance for Duchenne muscular dystrophy. Last evaluated: 2026-01-19. Review status: criteria provided, single submitter. Criteria: Invitae Variant Classification Sherloc (09022015). Collection method: clinical testing. Allele origin: germline.
Comment: This sequence change replaces tyrosine, which is neutral and polar, with cysteine, which is neutral and slightly polar, at codon 998 of the DMD protein (p.Tyr998Cys). This variant is not present in population databases (gnomAD no frequency). This variant has not been reported in the literature in individuals affected with DMD-related conditions. ClinVar contains an entry for this variant (Variation ID: 3684186). Invitae Evidence Modeling of protein sequence and biophysical properties (such as structural, functional, and spatial information, amino acid conservation, physicochemical variation, residue mobility, and thermodynamic stability) indicates that this missense variant is not expected to disrupt DMD protein function with a negative predictive value of 95%. In summary, the available evidence is currently insufficient to determine the role of this variant in disease. Therefore, it has been classified as a Variant of Uncertain Significance.